The following is an entry in ClinVar:

NM_006017.3(PROM1):c.2407G>T (p.Val803Leu)

Gene: PROM1 (prominin 1; minus strand). Cytogenetic location: 4p15.32.
Variant type: single nucleotide variant.
Coding change: c.2407G>T on transcript NM_006017.3 (MANE Select); coding-DNA position 2407, G replaced by T.
Protein change: p.Val803Leu; replaces valine 803 with leucine.
Molecular consequence: missense variant.
Genome position (GRCh38, 1-based): chr4:15,980,504, C>A on the plus strand (G>T on the coding strand, the complement: PROM1 is on the minus strand). VCF-style: chr4-15980504-C-A. GRCh37 (hg19) VCF-style: chr4-15982127-C-A.
Other names: c.2380G>T, p.Val794Leu (NM_001145847.2, NM_001145848.2, NM_001145851.2 and 4 more transcripts); c.2407G>T, p.Val803Leu (NM_001145849.2, NM_001145850.2); short protein forms V794L, V803L.
Identifiers: ClinVar variation 1720960 (VCV001720960.5), dbSNP rs2474893593, ClinGen allele CA356426761.

ClinVar aggregate classification (germline): Uncertain significance (1 of 4 stars; one submission).

Submission:

Labcorp Genetics (formerly Invitae), Labcorp
Classification: Uncertain significance. Last evaluated: 2022-10-04. Review status: criteria provided, single submitter. Criteria: Invitae Variant Classification Sherloc (09022015). Collection method: clinical testing. Allele origin: germline.
Comment: In summary, the available evidence is currently insufficient to determine the role of this variant in disease. Therefore, it has been classified as a Variant of Uncertain Significance. Advanced modeling of protein sequence and biophysical properties (such as structural, functional, and spatial information, amino acid conservation, physicochemical variation, residue mobility, and thermodynamic stability) performed at Invitae indicates that this missense variant is not expected to disrupt PROM1 protein function. This variant is not present in population databases (gnomAD no frequency). This variant has not been reported in the literature in individuals affected with PROM1-related conditions. This sequence change replaces valine, which is neutral and non-polar, with leucine, which is neutral and non-polar, at codon 803 of the PROM1 protein (p.Val803Leu).